The following is an entry in ClinVar:

NM_017946.4(FKBP14):c.137A>T (p.Asp46Val)

Genes: FKBP14 (FKBP prolyl isomerase 14; minus strand), FKBP14-AS1 (FKBP14 antisense RNA 1; plus strand). Cytogenetic location: 7p14.3.
Variant type: single nucleotide variant.
Coding change: c.137A>T on transcript NM_017946.4 (MANE Select); coding-DNA position 137, A replaced by T.
Protein change: p.Asp46Val; replaces aspartic acid 46 with valine.
Molecular consequence: missense variant. On other transcripts: non-coding transcript variant (3).
Genome position (GRCh38, 1-based): chr7:30,026,372, T>A on the plus strand (A>T on the coding strand, the complement: FKBP14 is on the minus strand). VCF-style: chr7-30026372-T-A. GRCh37 (hg19) VCF-style: chr7-30065988-T-A.
Other names: short protein forms D46V.
Identifiers: ClinVar variation 3769818 (VCV003769818.1).

ClinVar aggregate classification (germline): Uncertain significance (1 of 4 stars; one submission).

gnomAD v4.1: 1 of 1,613,958 alleles (0.000062%); highest among the groups gnomAD compares: African/African-American, 0.0013%; no homozygotes.

Submission:

GeneDx
Classification: Uncertain significance. Last evaluated: 2024-09-12. Review status: criteria provided, single submitter. Criteria: GeneDx Variant Classification Process June 2021. Collection method: clinical testing. Allele origin: germline. Affected: yes.
Comment: Not observed at significant frequency in large population cohorts (gnomAD); In silico analysis supports that this missense variant has a deleterious effect on protein structure/function; Has not been previously published as pathogenic or benign to our knowledge